The following is an entry in ClinVar:

NM_001378418.1(TCF20):c.3533A>C (p.Lys1178Thr)

Gene: TCF20 (transcription factor 20; minus strand). Cytogenetic location: 22q13.2.
Variant type: single nucleotide variant.
Coding change: c.3533A>C on transcript NM_001378418.1 (MANE Select); coding-DNA position 3533, A replaced by C.
Protein change: p.Lys1178Thr; replaces lysine 1178 with threonine.
Molecular consequence: missense variant.
Genome position (GRCh38, 1-based): chr22:42,211,773, T>G on the plus strand (A>C on the coding strand, the complement: TCF20 is on the minus strand). VCF-style: chr22-42211773-T-G. GRCh37 (hg19) VCF-style: chr22-42607779-T-G.
Other names: c.3533A>C, p.Lys1178Thr (NM_005650.4, NM_181492.3); short protein forms K1178T.
Identifiers: ClinVar variation 2791930 (VCV002791930.3), dbSNP rs1163078792, ClinGen allele CA411786283.

ClinVar aggregate classification (germline): Uncertain significance (1 of 4 stars; one submission).

Allele frequency attached by ClinVar (database versions not stated): gnomAD exomes below 0.00001; TOPMed below 0.00001.
gnomAD v4.1: 1 of 1,614,234 alleles (0.000062%); highest among the groups gnomAD compares: Non-Finnish European, 0.000085%; no homozygotes.

Submission:

Labcorp Genetics (formerly Invitae), Labcorp
Classification: Uncertain significance. Last evaluated: 2026-01-08. Review status: criteria provided, single submitter. Criteria: Invitae Variant Classification Sherloc (09022015). Collection method: clinical testing. Allele origin: germline.
Comment: This sequence change replaces lysine, which is basic and polar, with threonine, which is neutral and polar, at codon 1178 of the TCF20 protein (p.Lys1178Thr). This variant is present in population databases (no rsID available, gnomAD 0.0009%). This variant has not been reported in the literature in individuals affected with TCF20-related conditions. ClinVar contains an entry for this variant (Variation ID: 2791930). An algorithm developed to predict the effect of missense changes on protein structure and function (PolyPhen-2) suggests that this variant is likely to be disruptive. In summary, the available evidence is currently insufficient to determine the role of this variant in disease. Therefore, it has been classified as a Variant of Uncertain Significance.